The following is an entry in ClinVar:

ClinVar aggregate classification (germline): Benign/Likely benign. Review status: criteria provided, multiple submitters, no conflicts (2 of 4 stars). 13 submissions from 11 submitters: Benign (7); Likely benign (3). 3 of the submissions do not count toward it. Last evaluated 2026-02-04.

Conditions:
Infantile GM1 gangliosidosis. Also called: Gangliosidosis, Generalized GM1, Type 1; GM1 gangliosidosis type 1; GM1-gangliosidosis, type I; Gangliosidosis, generalized GM1, infantile form; GLB1 deficiency. Identifiers: Orphanet 354, Orphanet 79255, MedGen C0268271, MONDO:0009260, OMIM 230500.
GM1 gangliosidosis. Identifiers: Orphanet 354, MedGen C0085131, MONDO:0018149.
Mucopolysaccharidosis, MPS-IV-B (MPS4B). Also called: Mucopolysaccharidosis type 4B; Mucopolysaccharidosis type IV B; Mucopolysaccharidosis type IVB (Morquio); Mucopolysaccharidosis Type IVB (Morquio B Disease); MPS IVB; MORQUIO SYNDROME B. Identifiers: Orphanet 309310, Orphanet 582, MedGen C0086652, MONDO:0009660, OMIM 253010.

Allele frequency attached by ClinVar (database versions not stated): 1000 Genomes Project 0.16354; 1000 Genomes Project 30x 0.16615; gnomAD exomes 0.19449 and 0.21298; TOPMed 0.20728; gnomAD 0.20791 and 0.21250; ExAC 0.20842; ESP Exome Variant Server 0.21248.
gnomAD v4.1: 342,359 of 1,612,234 alleles (21%); highest among the groups gnomAD compares: Non-Finnish European, 22%; 37,411 homozygotes.

Submissions (13):

Labcorp Genetics (formerly Invitae), Labcorp
Classification: Benign for Mucopolysaccharidosis, MPS-IV-B; GM1 gangliosidosis. Last evaluated: 2026-02-04. Review status: criteria provided, single submitter. Criteria: Invitae Variant Classification Sherloc (09022015). Collection method: clinical testing. Allele origin: germline.

Blueprint Genetics
Classification: Benign. Last evaluated: 2024-11-26. Review status: criteria provided, single submitter. Criteria: ACMG Guidelines, 2015. Collection method: clinical testing. Allele origin: germline.

Pars Genome Lab
Classification: Benign for Infantile GM1 gangliosidosis. Last evaluated: 2021-06-15. Review status: criteria provided, single submitter. Criteria: ACMG Guidelines, 2015. Collection method: clinical testing. Allele origin: germline. Affected: no.

Pars Genome Lab
Classification: Benign for Mucopolysaccharidosis, MPS-IV-B. Last evaluated: 2021-06-15. Review status: criteria provided, single submitter. Criteria: ACMG Guidelines, 2015. Collection method: clinical testing. Allele origin: germline. Affected: no.

Illumina Laboratory Services, Illumina
Classification: Likely benign for GM1 gangliosidosis. Last evaluated: 2017-04-27. Review status: criteria provided, single submitter. Criteria: ICSL Variant Classification Criteria 13 December 2019. Collection method: clinical testing. Allele origin: germline.
Comment: This variant was observed as part of a predisposition screen in an ostensibly healthy population. A literature search was performed for the gene, cDNA change, and amino acid change (where applicable). No publications were found based on this search. Allele frequency data from public databases allowed determination this variant is unlikely to cause disease. Therefore, this variant is classified as likely benign.

Illumina Laboratory Services, Illumina
Classification: Likely benign for Mucopolysaccharidosis, MPS-IV-B. Last evaluated: 2017-04-27. Review status: criteria provided, single submitter. Criteria: ICSL Variant Classification Criteria 13 December 2019. Collection method: clinical testing. Allele origin: germline.
Comment: the same text as in the submission from Illumina Laboratory Services, Illumina above.

Eurofins Ntd Llc (ga)
Classification: Benign. Last evaluated: 2015-10-27. Review status: criteria provided, single submitter. Criteria: EGL Classification Definitions 2015. Collection method: clinical testing. Allele origin: germline. Observed: 36 variant alleles, 28 heterozygotes, 8 homozygotes.

GeneDx
Classification: Benign. Last evaluated: 2015-03-03. Review status: criteria provided, single submitter. Criteria: GeneDx Variant Classification Process June 2021. Collection method: clinical testing. Allele origin: germline. Affected: yes.

Breakthrough Genomics
Classification: Likely benign. Review status: criteria provided, single submitter. Criteria: ACMG Guidelines, 2015. Collection method: not provided. Allele origin: germline. Inheritance: Autosomal recessive inheritance. Affected: yes.

PreventionGenetics, part of Exact Sciences
Classification: Benign. Review status: criteria provided, single submitter. Criteria: ACMG Guidelines, 2015. Collection method: clinical testing. Allele origin: germline.

Mayo Clinic Laboratories, Mayo Clinic
Classification: Benign. Last evaluated: 2015-12-15. Review status: no assertion criteria provided. Collection method: clinical testing. Allele origin: unknown. Not counted in ClinVar's aggregate classification.

Clinical Genetics DNA and cytogenetics Diagnostics Lab, Erasmus MC, Erasmus Medical Center
Classification: Benign. Review status: no assertion criteria provided. Collection method: clinical testing. Allele origin: germline. Affected: yes. Study: VKGL Data-share Consensus. Not counted in ClinVar's aggregate classification.

Joint Genome Diagnostic Labs from Nijmegen and Maastricht, Radboudumc and MUMC+
Classification: Benign. Review status: no assertion criteria provided. Collection method: clinical testing. Allele origin: germline. Affected: yes. Study: VKGL Data-share Consensus. Not counted in ClinVar's aggregate classification.

NM_000404.4(GLB1):c.1233+8T>C

Gene: GLB1 (galactosidase beta 1; minus strand). Cytogenetic location: 3p22.3.
Variant type: single nucleotide variant.
Coding change: c.1233+8T>C on transcript NM_000404.4 (MANE Select); 8 bases into the intron after coding-DNA position 1233, T replaced by C.
Molecular consequence: intron variant.
Genome position (GRCh38, 1-based): chr3:33,021,558, A>G on the plus strand (T>C on the coding strand, the complement: GLB1 is on the minus strand). VCF-style: chr3-33021558-A-G. GRCh37 (hg19) VCF-style: chr3-33063050-A-G.
Other names: c.1233+8T>C (NM_001393580.1); c.840+8T>C (NM_001135602.3); c.1377+8T>C (NM_001317040.2); c.1143+8T>C (NM_001079811.3).
Identifiers: ClinVar variation 92894 (VCV000092894.26), dbSNP rs13093698, ClinGen allele CA146072.